The following is an entry in ClinVar:

ClinVar aggregate classification (germline): Uncertain significance (1 of 4 stars; one submission).

gnomAD v4.1: 19 of 1,568,752 alleles (0.0012%); highest among the groups gnomAD compares: Non-Finnish European, 0.0016%; no homozygotes.

Submission:

Labcorp Genetics (formerly Invitae), Labcorp
Classification: Uncertain significance. Last evaluated: 2024-05-13. Review status: criteria provided, single submitter. Criteria: Invitae Variant Classification Sherloc (09022015). Collection method: clinical testing. Allele origin: germline.
Comment: This sequence change replaces aspartic acid, which is acidic and polar, with alanine, which is neutral and non-polar, at codon 767 of the ERBB4 protein (p.Asp767Ala). This variant is not present in population databases (gnomAD no frequency). This variant has not been reported in the literature in individuals affected with ERBB4-related conditions. An algorithm developed to predict the effect of missense changes on protein structure and function (PolyPhen-2) suggests that this variant is likely to be disruptive. In summary, the available evidence is currently insufficient to determine the role of this variant in disease. Therefore, it has been classified as a Variant of Uncertain Significance.

NM_005235.3(ERBB4):c.2300A>C (p.Asp767Ala)

Gene: ERBB4 (erb-b2 receptor tyrosine kinase 4; minus strand). Cytogenetic location: 2q34.
Variant type: single nucleotide variant.
Coding change: c.2300A>C on transcript NM_005235.3 (MANE Select); coding-DNA position 2300, A replaced by C.
Protein change: p.Asp767Ala; replaces aspartic acid 767 with alanine.
Molecular consequence: missense variant.
Genome position (GRCh38, 1-based): chr2:211,619,178, T>G on the plus strand (A>C on the coding strand, the complement: ERBB4 is on the minus strand). VCF-style: chr2-211619178-T-G. GRCh37 (hg19) VCF-style: chr2-212483903-T-G.
Other names: c.2300A>C, p.Asp767Ala (NM_001042599.2); short protein forms D767A.
Identifiers: ClinVar variation 3676350 (VCV003676350.2).